The following is an entry in ClinVar:

NM_001852.4(COL9A2):c.361C>A (p.Pro121Thr)

Gene: COL9A2 (collagen type IX alpha 2 chain; minus strand). Cytogenetic location: 1p34.2.
Variant type: single nucleotide variant.
Coding change: c.361C>A on transcript NM_001852.4 (MANE Select); coding-DNA position 361, C replaced by A.
Protein change: p.Pro121Thr; replaces proline 121 with threonine.
Molecular consequence: missense variant.
Genome position (GRCh38, 1-based): chr1:40,312,458, G>T on the plus strand (C>A on the coding strand, the complement: COL9A2 is on the minus strand). VCF-style: chr1-40312458-G-T. GRCh37 (hg19) VCF-style: chr1-40778130-G-T.
Other names: short protein forms P121T.
Identifiers: ClinVar variation 4763266 (VCV004763266.1).

ClinVar aggregate classification (germline): Uncertain significance (1 of 4 stars; one submission).

gnomAD v4.1: 21 of 1,613,504 alleles (0.0013%); highest among the groups gnomAD compares: South Asian, 0.02%; no homozygotes.

Submission:

Labcorp Genetics (formerly Invitae), Labcorp
Classification: Uncertain significance. Last evaluated: 2026-01-13. Review status: criteria provided, single submitter. Criteria: Invitae Variant Classification Sherloc (09022015). Collection method: clinical testing. Allele origin: germline.
Comment: This sequence change replaces proline, which is neutral and non-polar, with threonine, which is neutral and polar, at codon 121 of the COL9A2 protein (p.Pro121Thr). This variant is present in population databases (rs555035046, gnomAD 0.003%). This variant has not been reported in the literature in individuals affected with COL9A2-related conditions. Experimental studies and prediction algorithms are not available or were not evaluated, and the functional significance of this variant is currently unknown. In summary, the available evidence is currently insufficient to determine the role of this variant in disease. Therefore, it has been classified as a Variant of Uncertain Significance.